The following is an entry in ClinVar:

ClinVar aggregate classification (germline): Uncertain significance (1 of 4 stars; one submission).

Conditions:
Kabuki syndrome 1 (KABUK1). Also called: KMT2D-Related Kabuki Syndrome. Identifiers: Orphanet 2322, MedGen CN030661, MONDO:0007843, OMIM 147920.

Allele frequency attached by ClinVar (database versions not stated): gnomAD exomes below 0.00001; gnomAD 0.00001.
gnomAD v4.1: 2 of 1,613,876 alleles (0.00012%); highest among the groups gnomAD compares: African/African-American, 0.0013%; no homozygotes.

Submission:

GeneDx
Classification: Uncertain significance. Last evaluated: 2024-07-16. Review status: criteria provided, single submitter. Criteria: GeneDx Variant Classification Process June 2021. Collection method: clinical testing. Allele origin: germline. Affected: yes.
Comment: In silico analysis supports that this missense variant has a deleterious effect on protein structure/function; Has not been previously published as pathogenic or benign to our knowledge

NM_003482.4(KMT2D):c.15323G>A (p.Arg5108His)

Gene: KMT2D (lysine methyltransferase 2D; minus strand). Cytogenetic location: 12q13.12.
Variant type: single nucleotide variant.
Coding change: c.15323G>A on transcript NM_003482.4 (MANE Select); coding-DNA position 15323, G replaced by A.
Protein change: p.Arg5108His; replaces arginine 5108 with histidine.
Molecular consequence: missense variant.
Genome position (GRCh38, 1-based): chr12:49,026,643, C>T on the plus strand (G>A on the coding strand, the complement: KMT2D is on the minus strand). VCF-style: chr12-49026643-C-T. GRCh37 (hg19) VCF-style: chr12-49420426-C-T.
Other names: short protein forms R5108H.
Identifiers: ClinVar variation 972965 (VCV000972965.5), dbSNP rs1214099522, ClinGen allele CA384688652.